The following is an entry in ClinVar:

ClinVar aggregate classification (germline): Uncertain significance. Review status: criteria provided, multiple submitters, no conflicts (2 of 4 stars). 3 submissions from 3 submitters: Uncertain significance (3). Last evaluated 2025-08-19.

Allele frequency attached by ClinVar (database versions not stated): gnomAD exomes below 0.00001; TOPMed below 0.00001.
gnomAD v4.1: 7 of 1,614,166 alleles (0.00043%); highest among the groups gnomAD compares: South Asian, 0.0011%; no homozygotes.

Submissions (3):

Ambry Genetics
Classification: Uncertain significance. Last evaluated: 2025-08-19. Review status: criteria provided, single submitter. Criteria: Ambry Variant Classification Scheme 2023. Collection method: clinical testing. Allele origin: germline.

Labcorp Genetics (formerly Invitae), Labcorp
Classification: Uncertain significance. Last evaluated: 2020-08-20. Review status: criteria provided, single submitter. Criteria: Invitae Variant Classification Sherloc (09022015). Collection method: clinical testing. Allele origin: germline.
Comment: Algorithms developed to predict the effect of missense changes on protein structure and function are either unavailable or do not agree on the potential impact of this missense change (SIFT: "Not Available"; PolyPhen-2: "Benign"; Align-GVGD: "Not Available"). This sequence change replaces asparagine with serine at codon 157 of the IDH3B protein (p.Asn157Ser). The asparagine residue is moderately conserved and there is a small physicochemical difference between asparagine and serine. This variant is not present in population databases (ExAC no frequency). This variant has not been reported in the literature in individuals with IDH3B-related conditions. In summary, the available evidence is currently insufficient to determine the role of this variant in disease. Therefore, it has been classified as a Variant of Uncertain Significance.

Blueprint Genetics
Classification: Uncertain significance. Last evaluated: 2019-01-05. Review status: criteria provided, single submitter. Criteria: ACMG Guidelines, 2015. Collection method: clinical testing. Allele origin: germline.

NM_006899.5(IDH3B):c.470A>G (p.Asn157Ser)

Gene: IDH3B (isocitrate dehydrogenase (NAD(+)) 3 non-catalytic subunit beta; minus strand). Cytogenetic location: 20p13.
Variant type: single nucleotide variant.
Coding change: c.470A>G on transcript NM_006899.5 (MANE Select); coding-DNA position 470, A replaced by G.
Protein change: p.Asn157Ser; replaces asparagine 157 with serine.
Molecular consequence: missense variant. On other transcripts: non-coding transcript variant (1).
Genome position (GRCh38, 1-based): chr20:2,660,758, T>C on the plus strand (A>G on the coding strand, the complement: IDH3B is on the minus strand). VCF-style: chr20-2660758-T-C. GRCh37 (hg19) VCF-style: chr20-2641404-T-C.
Other names: c.470A>G (NM_006899.2); c.470A>G, p.Asn157Ser (NM_001258384.3, NM_001330763.2, NM_174855.4); short protein forms N157S.
Identifiers: ClinVar variation 1014835 (VCV001014835.9), dbSNP rs981954746, ClinGen allele CA310881714.